The following is an entry in ClinVar:

NM_001378452.1(ITPR1):c.4462G>A (p.Val1488Ile)

Gene: ITPR1 (inositol 1,4,5-trisphosphate receptor type 1; plus strand). Cytogenetic location: 3p26.1.
Variant type: single nucleotide variant.
Coding change: c.4462G>A on transcript NM_001378452.1 (MANE Select); coding-DNA position 4462, G replaced by A.
Protein change: p.Val1488Ile; replaces valine 1488 with isoleucine.
Molecular consequence: missense variant.
Genome position (GRCh38, 1-based): chr3:4,699,867, G>A. VCF-style: chr3-4699867-G-A. GRCh37 (hg19) VCF-style: chr3-4741551-G-A.
Other names: c.4435G>A, p.Val1479Ile (NM_001099952.4); c.4417G>A, p.Val1473Ile (NM_001168272.2); c.4390G>A, p.Val1464Ile (NM_002222.7); short protein forms V1464I, V1479I, V1488I, V1473I.
Identifiers: ClinVar variation 4766362 (VCV004766362.1).

ClinVar aggregate classification (germline): Uncertain significance (1 of 4 stars; one submission).

gnomAD v4.1: 5 of 1,613,466 alleles (0.00031%); highest among the groups gnomAD compares: African/African-American, 0.0053%; no homozygotes.

Submission:

Labcorp Genetics (formerly Invitae), Labcorp
Classification: Uncertain significance. Last evaluated: 2025-09-10. Review status: criteria provided, single submitter. Criteria: Invitae Variant Classification Sherloc (09022015). Collection method: clinical testing. Allele origin: germline.
Comment: This sequence change replaces valine, which is neutral and non-polar, with isoleucine, which is neutral and non-polar, at codon 1464 of the ITPR1 protein (p.Val1464Ile). This variant is present in population databases (rs367817220, gnomAD 0.01%). This variant has not been reported in the literature in individuals affected with ITPR1-related conditions. Invitae Evidence Modeling of protein sequence and biophysical properties (such as structural, functional, and spatial information, amino acid conservation, physicochemical variation, residue mobility, and thermodynamic stability) indicates that this missense variant is not expected to disrupt ITPR1 protein function with a negative predictive value of 95%. In summary, the available evidence is currently insufficient to determine the role of this variant in disease. Therefore, it has been classified as a Variant of Uncertain Significance.